The following is an entry in ClinVar:

NM_000548.5(TSC2):c.901A>G (p.Met301Val)

Gene: TSC2 (TSC complex subunit 2; plus strand). Cytogenetic location: 16p13.3.
Variant type: single nucleotide variant.
Coding change: c.901A>G on transcript NM_000548.5 (MANE Select); coding-DNA position 901, A replaced by G.
Protein change: p.Met301Val; replaces methionine 301 with valine.
Molecular consequence: missense variant.
Genome position (GRCh38, 1-based): chr16:2,058,799, A>G. VCF-style: chr16-2058799-A-G. GRCh37 (hg19) VCF-style: chr16-2108800-A-G.
Other names: c.901A>G, p.Met301Val (NM_001077183.3, NM_001114382.3, NM_001363528.2 and 3 more transcripts); c.790A>G, p.Met264Val (NM_001318827.2); c.754A>G, p.Met252Val (NM_001318829.2); c.301A>G, p.Met101Val (NM_001318831.2); c.934A>G, p.Met312Val (NM_001318832.2); short protein forms M101V, M252V, M264V, M312V, M301V.
Identifiers: ClinVar variation 742825 (VCV000742825.12), dbSNP rs1356498946, ClinGen allele CA394315257.

ClinVar aggregate classification (germline): Conflicting classifications of pathogenicity. Review status: criteria provided, conflicting classifications (1 of 4 stars). 3 submissions from 3 submitters: Uncertain significance (2); Benign (1). Last evaluated 2024-10-01.

Conditions:
Hereditary cancer-predisposing syndrome. Also called: Tumor predisposition; Hereditary Cancer Syndrome; Neoplastic Syndromes, Hereditary; Hereditary neoplastic syndrome. Identifiers: Orphanet 140162, MedGen C0027672, MeSH D009386, MONDO:0015356.
Tuberous sclerosis 2 (TSC2). Identifiers: Orphanet 805, MedGen C1860707, MONDO:0013199, OMIM 613254.

Allele frequency attached by ClinVar (database versions not stated): gnomAD exomes below 0.00001; TOPMed below 0.00001.
gnomAD v4.1: 3 of 1,597,768 alleles (0.00019%); highest among the groups gnomAD compares: Admixed American, 0.0017%; no homozygotes.

Submissions (3):

Ambry Genetics
Classification: Uncertain significance for Hereditary cancer-predisposing syndrome. Last evaluated: 2024-10-01. Review status: criteria provided, single submitter. Criteria: Ambry Variant Classification Scheme 2023. Collection method: clinical testing. Allele origin: germline.
Comment: The p.M301V variant (also known as c.901A>G), located in coding exon 9 of the TSC2 gene, results from an A to G substitution at nucleotide position 901. The methionine at codon 301 is replaced by valine, an amino acid with highly similar properties. This amino acid position is highly conserved in available vertebrate species. In addition, this alteration is predicted to be deleterious by in silico analysis. Since supporting evidence is limited at this time, the clinical significance of this alteration remains unclear.

GeneDx
Classification: Uncertain significance. Last evaluated: 2024-01-29. Review status: criteria provided, single submitter. Criteria: GeneDx Variant Classification Process June 2021. Collection method: clinical testing. Allele origin: germline. Affected: yes.
Comment: In silico analysis supports that this missense variant has a deleterious effect on protein structure/function; Has not been previously published as pathogenic or benign to our knowledge; Not observed at significant frequency in large population cohorts (gnomAD)

Labcorp Genetics (formerly Invitae), Labcorp
Classification: Benign for Tuberous sclerosis 2. Last evaluated: 2023-09-04. Review status: criteria provided, single submitter. Criteria: Invitae Variant Classification Sherloc (09022015). Collection method: clinical testing. Allele origin: germline.